The following is an entry in ClinVar:

ClinVar aggregate classification (germline): Conflicting classifications of pathogenicity. Review status: criteria provided, conflicting classifications (1 of 4 stars). 9 submissions from 8 submitters: Uncertain significance (2); Benign (2); Likely benign (4). 1 of the submissions does not count toward it. Last evaluated 2026-09-01.

Conditions:
SYNE1-related disorder. Also called: SYNE1-related disorders; SYNE1-related disease; SYNE1-related condition.
Autosomal recessive ataxia, Beauce type. Also called: ATAXIA, RECESSIVE, OF BEAUCE; SYNE1-Related Autosomal Recessive Cerebellar Ataxia; Spinocerebellar ataxia, autosomal recessive 8; SYNE1 Deficiency. Identifiers: Orphanet 88644, MedGen C1853116, MONDO:0012549, OMIM 610743.
Emery-Dreifuss muscular dystrophy 4, autosomal dominant (EDMD4). Also called: EMERY-DREIFUSS MUSCULAR DYSTROPHY 4 WITH VARIABLE FEATURES. Identifiers: Orphanet 261, MedGen C2751807, MONDO:0013071, OMIM 612998.

Allele frequency attached by ClinVar (database versions not stated): 1000 Genomes Project 30x 0.00016; 1000 Genomes Project 0.00020; gnomAD exomes 0.00051 and 0.00055; TOPMed 0.00051; gnomAD 0.00056; ExAC 0.00060; ESP Exome Variant Server 0.00069.
gnomAD v4.1: 877 of 1,586,466 alleles (0.055%); highest among the groups gnomAD compares: Non-Finnish European, 0.061%; no homozygotes.

Submissions (9):

CeGaT Center for Human Genetics Tuebingen
Classification: Likely benign. Last evaluated: 2026-09-01. Review status: criteria provided, single submitter. Criteria: CeGaT Center For Human Genetics Tuebingen Variant Classification Criteria Version 2. Collection method: clinical testing. Allele origin: germline. Affected: yes. Observed: 8 variant alleles.
Comment: SYNE1: BP4, BP7

Labcorp Genetics (formerly Invitae), Labcorp
Classification: Likely benign for Emery-Dreifuss muscular dystrophy 4, autosomal dominant; Autosomal recessive ataxia, Beauce type. Last evaluated: 2026-01-14. Review status: criteria provided, single submitter. Criteria: Invitae Variant Classification Sherloc (09022015). Collection method: clinical testing. Allele origin: germline.

Blueprint Genetics
Classification: Likely benign. Last evaluated: 2024-11-20. Review status: criteria provided, single submitter. Criteria: ACMG Guidelines, 2015. Collection method: clinical testing. Allele origin: germline.

Athena Diagnostics
Classification: Benign. Last evaluated: 2024-03-12. Review status: criteria provided, single submitter. Criteria: Athena Diagnostics Criteria. Collection method: clinical testing. Allele origin: unknown.

Illumina Laboratory Services, Illumina
Classification: Benign for Emery-Dreifuss muscular dystrophy 4, autosomal dominant. Last evaluated: 2018-01-12. Review status: criteria provided, single submitter. Criteria: ICSL Variant Classification Criteria 13 December 2019. Collection method: clinical testing. Allele origin: germline.
Comment: This variant was observed in the ICSL laboratory as part of a predisposition screen in an ostensibly healthy population. It had not been previously curated by ICSL or reported in the Human Gene Mutation Database (HGMD: prior to June 1st, 2018), and was therefore a candidate for classification through an automated scoring system. Utilizing variant allele frequency, disease prevalence and penetrance estimates, and inheritance mode, an automated score was calculated to assess if this variant is too frequent to cause the disease. Based on the score and internal cut-off values, a variant classified as benign is not then subjected to further curation. The score for this variant resulted in a classification of benign for this disease.

Illumina Laboratory Services, Illumina
Classification: Uncertain significance for Autosomal recessive ataxia, Beauce type. Last evaluated: 2018-01-12. Review status: criteria provided, single submitter. Criteria: ICSL Variant Classification Criteria 13 December 2019. Collection method: clinical testing. Allele origin: germline.

Eurofins Ntd Llc (ga)
Classification: Uncertain significance. Last evaluated: 2017-12-22. Review status: criteria provided, single submitter. Criteria: EGL Classification Definitions 2015. Collection method: clinical testing. Allele origin: germline. Observed: 8 variant alleles, 8 heterozygotes.

GeneDx
Classification: Likely benign. Last evaluated: 2016-11-11. Review status: criteria provided, single submitter. Criteria: GeneDx Variant Classification (06012015). Collection method: clinical testing. Allele origin: germline. Affected: yes.
Comment: This variant is considered likely benign or benign based on one or more of the following criteria: it is a conservative change, it occurs at a poorly conserved position in the protein, it is predicted to be benign by multiple in silico algorithms, and/or has population frequency not consistent with disease.

PreventionGenetics, part of Exact Sciences
Classification: Likely benign for SYNE1-related condition. Last evaluated: 2019-12-10. Review status: no assertion criteria provided. Collection method: clinical testing. Allele origin: germline. Not counted in ClinVar's aggregate classification.
Comment: This variant is classified as likely benign based on ACMG/AMP sequence variant interpretation guidelines (Richards et al. 2015 PMID: 25741868, with internal and published modifications).

NM_182961.4(SYNE1):c.1038T>C (p.Asp346=)

Gene: SYNE1 (spectrin repeat containing nuclear envelope protein 1; minus strand). Cytogenetic location: 6q25.2.
Variant type: single nucleotide variant.
Coding change: c.1038T>C on transcript NM_182961.4 (MANE Select); coding-DNA position 1038, T replaced by C.
Protein change: p.Asp346=; no amino-acid change (aspartic acid 346 retained).
Molecular consequence: synonymous variant.
Genome position (GRCh38, 1-based): chr6:152,488,405, A>G on the plus strand (T>C on the coding strand, the complement: SYNE1 is on the minus strand). VCF-style: chr6-152488405-A-G. GRCh37 (hg19) VCF-style: chr6-152809540-A-G.
Other names: c.1059T>C, p.Asp353= (NM_033071.5).
Identifiers: ClinVar variation 284681 (VCV000284681.59), dbSNP rs144105769, ClinGen allele CA4059537.